The following is an entry in ClinVar:

NM_002485.5(NBN):c.1603T>G (p.Ser535Ala)

Gene: NBN (nibrin; minus strand). Cytogenetic location: 8q21.3.
Variant type: single nucleotide variant.
Coding change: c.1603T>G on transcript NM_002485.5 (MANE Select); coding-DNA position 1603, T replaced by G.
Protein change: p.Ser535Ala; replaces serine 535 with alanine.
Molecular consequence: missense variant.
Genome position (GRCh38, 1-based): chr8:89,953,486, A>C on the plus strand (T>G on the coding strand, the complement: NBN is on the minus strand). VCF-style: chr8-89953486-A-C. GRCh37 (hg19) VCF-style: chr8-90965714-A-C.
Other names: c.1357T>G, p.Ser453Ala (NM_001024688.3); short protein forms S535A, S453A.
Identifiers: ClinVar variation 632918 (VCV000632918.13), dbSNP rs1563526265, ClinGen allele CA371655500.

ClinVar aggregate classification (germline): Uncertain significance. Review status: criteria provided, multiple submitters, no conflicts (2 of 4 stars). 5 submissions from 5 submitters: Uncertain significance (4). 1 of the submissions does not count toward it. Last evaluated 2024-02-02.

Conditions:
Microcephaly, normal intelligence and immunodeficiency (NBS). Also called: Immunodeficiency, microcephaly with normal intelligence; SEEMANOVA SYNDROME II; Nijmegen breakage syndrome; Microcephaly with normal intelligence immunodeficiency and lymphoreticular malignancies; Nonsyndromal microcephaly autosomal recessive with normal intelligence; Seemanova syndrome 2. Identifiers: Orphanet 647, MedGen C0398791, MONDO:0009623, OMIM 251260.
NBN-related disorder. Also called: NBN-related condition.
Hereditary cancer-predisposing syndrome. Also called: Hereditary Cancer Syndrome; Neoplastic Syndromes, Hereditary; Tumor predisposition; Hereditary neoplastic syndrome. Identifiers: Orphanet 140162, MedGen C0027672, MeSH D009386, MONDO:0015356.

Allele frequency attached by ClinVar (database versions not stated): TOPMed below 0.00001.

Submissions (5):

Quest Diagnostics Nichols Institute San Juan Capistrano
Classification: Uncertain significance. Last evaluated: 2024-02-02. Review status: criteria provided, single submitter. Criteria: Quest Diagnostics criteria. Collection method: clinical testing. Allele origin: unknown.
Comment: The NBN c.1603T>G (p.Ser535Ala) variant has not been reported in individuals with NBN-related conditions in the published literature. It also has not been reported in large, multi-ethnic general populations (Genome Aggregation Database). Analysis of this variant using bioinformatics tools for the prediction of the effect of amino acid changes on protein structure and function yielded predictions that this variant is benign. Based on the available information, we are unable to determine the clinical significance of this variant.

Labcorp Genetics (formerly Invitae), Labcorp
Classification: Uncertain significance for Microcephaly, normal intelligence and immunodeficiency. Last evaluated: 2023-06-04. Review status: criteria provided, single submitter. Criteria: Invitae Variant Classification Sherloc (09022015). Collection method: clinical testing. Allele origin: germline.
Comment: In summary, the available evidence is currently insufficient to determine the role of this variant in disease. Therefore, it has been classified as a Variant of Uncertain Significance. An algorithm developed to predict the effect of missense changes on protein structure and function (PolyPhen-2) suggests that this variant is likely to be tolerated. ClinVar contains an entry for this variant (Variation ID: 632918). This variant has not been reported in the literature in individuals affected with NBN-related conditions. This variant is not present in population databases (gnomAD no frequency). This sequence change replaces serine, which is neutral and polar, with alanine, which is neutral and non-polar, at codon 535 of the NBN protein (p.Ser535Ala).

Ambry Genetics
Classification: Uncertain significance for Hereditary cancer-predisposing syndrome. Last evaluated: 2020-06-09. Review status: criteria provided, single submitter. Criteria: Ambry Variant Classification Scheme 2023. Collection method: clinical testing. Allele origin: germline.
Comment: The p.S535A variant (also known as c.1603T>G), located in coding exon 11 of the NBN gene, results from a T to G substitution at nucleotide position 1603. The serine at codon 535 is replaced by alanine, an amino acid with similar properties. This amino acid position is not well conserved in available vertebrate species. In addition, this alteration is predicted to be tolerated by in silico analysis. Since supporting evidence is limited at this time, the clinical significance of this alteration remains unclear.

Women's Health and Genetics/Laboratory Corporation of America, LabCorp
Classification: Uncertain significance. Last evaluated: 2018-03-30. Review status: criteria provided, single submitter. Criteria: LabCorp Variant Classification Summary - May 2015. Collection method: clinical testing. Allele origin: germline.
Comment: Variant summary: NBN c.1603T>G (p.Ser535Ala) results in a conservative amino acid change in the encoded protein sequence. Five of five in-silico tools predict a benign effect of the variant on protein function. The variant was absent in 245768 control chromosomes (gnomAD). The available data on variant occurrences in the general population are insufficient to allow any conclusion about variant significance. To our knowledge, no occurrence of c.1603T>G in individuals affected with Nijmegen Breakage Syndrome and no experimental evidence demonstrating its impact on protein function have been reported. No clinical diagnostic laboratories have submitted clinical-significance assessments for this variant to ClinVar after 2014. Based on the evidence outlined above, the variant was classified as uncertain significance.

PreventionGenetics, part of Exact Sciences
Classification: Uncertain significance for NBN-related condition. Last evaluated: 2024-04-10. Review status: no assertion criteria provided. Collection method: clinical testing. Allele origin: germline. Not counted in ClinVar's aggregate classification.
Comment: The NBN c.1603T>G variant is predicted to result in the amino acid substitution p.Ser535Ala. To our knowledge, this variant has not been reported in the literature or in a large population database, indicating this variant is rare. At this time, the clinical significance of this variant is uncertain due to the absence of conclusive functional and genetic evidence.